The following is an entry in ClinVar:

ClinVar aggregate classification (germline): Likely benign (1 of 4 stars; one submission).

Conditions:
Multiple endocrine neoplasia, type 1 (MEN1). Also called: Endocrine adenomatosis multiple; MEN 1; MEA I; MEN I; WERMER SYNDROME. Identifiers: Orphanet 652, MedGen C0025267, MeSH D018761, MONDO:0007540, OMIM 131100.

Submission:

All of Us Research Program, National Institutes of Health
Classification: Likely benign for Multiple endocrine neoplasia, type 1. Last evaluated: 2023-03-09. Review status: criteria provided, single submitter. Criteria: ACMG Guidelines, 2015. Collection method: clinical testing. Allele origin: germline. Inheritance: Autosomal dominant inheritance. Observed: 1 variant allele, 1 heterozygote.
Comment: This study involves interpretation of variants in research participants for the purpose of population health screening. Participant phenotype was not available at the time of variant classification. Additional details can be found in publication PMID: 35346344, PMCID: PMC8962531

NM_001370259.2(MEN1):c.-9C>G

Gene: MEN1 (menin 1; minus strand). Cytogenetic location: 11q13.1.
Variant type: single nucleotide variant.
Coding change: c.-9C>G on transcript NM_001370259.2 (MANE Select); 9 bases upstream of the start codon, C replaced by G.
Molecular consequence: 5 prime UTR variant. On other transcripts: non-coding transcript variant (4).
Genome position (GRCh38, 1-based): chr11:64,810,118, G>C on the plus strand (C>G on the coding strand, the complement: MEN1 is on the minus strand). VCF-style: chr11-64810118-G-C. GRCh37 (hg19) VCF-style: chr11-64577590-G-C.
Other names: c.-9C>G (NM_000244.4, NM_001370251.2, NM_001370260.2 and 20 more transcripts).
Identifiers: ClinVar variation 3069844 (VCV003069844.1), dbSNP rs952104480, ClinGen allele CA2825002037.